The following is an entry in ClinVar:

NM_001042492.3(NF1):c.5579T>G (p.Leu1860Arg)

Gene: NF1 (neurofibromin 1; plus strand). Cytogenetic location: 17q11.2.
Variant type: single nucleotide variant.
Coding change: c.5579T>G on transcript NM_001042492.3 (MANE Select); coding-DNA position 5579, T replaced by G.
Protein change: p.Leu1860Arg; replaces leucine 1860 with arginine.
Molecular consequence: missense variant.
Genome position (GRCh38, 1-based): chr17:31,327,809, T>G. VCF-style: chr17-31327809-T-G. GRCh37 (hg19) VCF-style: chr17-29654827-T-G.
Other names: c.5516T>G, p.Leu1839Arg (NM_000267.4); short protein forms L1839R, L1860R.
Identifiers: ClinVar variation 4800782 (VCV004800782.1).

ClinVar aggregate classification (germline): Uncertain significance (1 of 4 stars; one submission).

Conditions:
Neurofibromatosis, type 1 (NF1). Also called: VON RECKLINGHAUSEN DISEASE; Neurofibromatosis, type I; NEUROFIBROMATOSIS, TYPE I, SOMATIC; Peripheral type neurofibromatosis. Identifiers: Orphanet 636, MedGen C0027831, MONDO:0018975, OMIM 162200. Disease mechanism: loss of function.

Submission:

Labcorp Genetics (formerly Invitae), Labcorp
Classification: Uncertain significance for Neurofibromatosis, type 1. Last evaluated: 2025-06-06. Review status: criteria provided, single submitter. Criteria: Invitae Variant Classification Sherloc (09022015). Collection method: clinical testing. Allele origin: germline.
Comment: This sequence change replaces leucine, which is neutral and non-polar, with arginine, which is basic and polar, at codon 1839 of the NF1 protein (p.Leu1839Arg). This variant is not present in population databases (gnomAD no frequency). This variant has not been reported in the literature in individuals affected with NF1-related conditions. Invitae Evidence Modeling of protein sequence and biophysical properties (such as structural, functional, and spatial information, amino acid conservation, physicochemical variation, residue mobility, and thermodynamic stability) indicates that this missense variant is expected to disrupt NF1 protein function with a positive predictive value of 95%. In summary, the available evidence is currently insufficient to determine the role of this variant in disease. Therefore, it has been classified as a Variant of Uncertain Significance.